The following is an entry in ClinVar:

NM_001267550.2(TTN):c.89960G>A (p.Cys29987Tyr)

Genes: TTN (titin; minus strand), TTN-AS1 (TTN antisense RNA 1; plus strand). Cytogenetic location: 2q31.2.
Variant type: single nucleotide variant.
Coding change: c.89960G>A on transcript NM_001267550.2 (MANE Select); coding-DNA position 89960, G replaced by A.
Protein change: p.Cys29987Tyr; replaces cysteine 29987 with tyrosine.
Molecular consequence: missense variant.
Genome position (GRCh38, 1-based): chr2:178,552,940, C>T on the plus strand (G>A on the coding strand, the complement: TTN is on the minus strand). VCF-style: chr2-178552940-C-T. GRCh37 (hg19) VCF-style: chr2-179417667-C-T.
Other names: c.63140G>A, p.Cys21047Tyr (NM_133432.3); c.63341G>A, p.Cys21114Tyr (NM_133437.4); c.85037G>A, p.Cys28346Tyr (NM_001256850.1); c.62765G>A, p.Cys20922Tyr (NM_003319.4); c.82256G>A, p.Cys27419Tyr (NM_133378.4); short protein forms C20922Y, C21047Y, C21114Y, C27419Y, C28346Y, C29987Y.
Identifiers: ClinVar variation 4820354 (VCV004820354.1).

ClinVar aggregate classification (germline): Likely benign (1 of 4 stars; one submission).

gnomAD v4.1: 1 of 1,613,552 alleles (0.000062%); highest among the groups gnomAD compares: Non-Finnish European, 0.000085%; no homozygotes.

Submission:

Molecular Diagnostic Laboratory for Inherited Cardiovascular Disease, Montreal Heart Institute
Classification: Likely benign. Last evaluated: 2026-03-27. Review status: criteria provided, single submitter. Criteria: ACMG Guidelines, 2015. Collection method: clinical testing. Allele origin: germline. Affected: no.
Comment: BP1